The following is an entry in ClinVar:

ClinVar aggregate classification (germline): Uncertain significance (1 of 4 stars; one submission).

Conditions:
Lower motor neuron syndrome with late-adult onset (SMAJ). Also called: Late-Onset Spinal Motor Neuronopathy (SMAJ); Spinal muscular atrophy, Jokela type. Identifiers: Orphanet 276435, MedGen C3554398, MONDO:0014025, OMIM 615048.
Autosomal dominant mitochondrial myopathy with exercise intolerance (IMMD). Also called: Myopathy, isolated mitochondrial, autosomal dominant. Identifiers: Orphanet 457050, MedGen C4015513, MONDO:0014532, OMIM 616209.
Frontotemporal dementia and/or amyotrophic lateral sclerosis 2. Also called: FTDALS2. Identifiers: Orphanet 275872, MedGen C4014648, MONDO:0014395, OMIM 615911.

gnomAD v4.1: 3 of 1,582,220 alleles (0.00019%); highest among the groups gnomAD compares: Non-Finnish European, 0.00026%; no homozygotes.

Submission:

Labcorp Genetics (formerly Invitae), Labcorp
Classification: Uncertain significance for Lower motor neuron syndrome with late-adult onset; Frontotemporal dementia and/or amyotrophic lateral sclerosis 2; Autosomal dominant mitochondrial myopathy with exercise intolerance. Last evaluated: 2024-02-27. Review status: criteria provided, single submitter. Criteria: Invitae Variant Classification Sherloc (09022015). Collection method: clinical testing. Allele origin: germline.
Comment: This sequence change replaces cysteine, which is neutral and slightly polar, with tryptophan, which is neutral and slightly polar, at codon 102 of the CHCHD10 protein (p.Cys102Trp). This variant is not present in population databases (gnomAD no frequency). This variant has not been reported in the literature in individuals affected with CHCHD10-related conditions. An algorithm developed to predict the effect of missense changes on protein structure and function (PolyPhen-2) suggests that this variant is likely to be disruptive. In summary, the available evidence is currently insufficient to determine the role of this variant in disease. Therefore, it has been classified as a Variant of Uncertain Significance.

NM_213720.3(CHCHD10):c.306C>G (p.Cys102Trp)

Gene: CHCHD10 (coiled-coil-helix-coiled-coil-helix domain containing 10; minus strand). Cytogenetic location: 22q11.23.
Variant type: single nucleotide variant.
Coding change: c.306C>G on transcript NM_213720.3 (MANE Select); coding-DNA position 306, C replaced by G.
Protein change: p.Cys102Trp; replaces cysteine 102 with tryptophan.
Molecular consequence: missense variant. On other transcripts: non-coding transcript variant (2).
Genome position (GRCh38, 1-based): chr22:23,766,231, G>C on the plus strand (C>G on the coding strand, the complement: CHCHD10 is on the minus strand). VCF-style: chr22-23766231-G-C. GRCh37 (hg19) VCF-style: chr22-24108418-G-C.
Other names: c.327C>G, p.Cys109Trp (NM_001301339.2); short protein forms C102W, C109W.
Identifiers: ClinVar variation 3749723 (VCV003749723.2).